The following is an entry in ClinVar:

NM_003072.5(SMARCA4):c.4534-11G>A

Gene: SMARCA4 (SWI/SNF related BAF chromatin remodeling complex subunit ATPase 4; plus strand). Cytogenetic location: 19p13.2.
Variant type: single nucleotide variant.
Coding change: c.4534-11G>A on transcript NM_003072.5 (MANE Select); 11 bases into the intron before coding-DNA position 4534, G replaced by A.
Molecular consequence: intron variant.
Genome position (GRCh38, 1-based): chr19:11,058,777, G>A. VCF-style: chr19-11058777-G-A. GRCh37 (hg19) VCF-style: chr19-11169453-G-A.
Other names: c.4534-11G>A (NM_001128844.3); c.4630-11G>A (NM_001128849.3, NM_001387283.1); c.4435-11G>A (NM_001128847.4, NM_001374457.1); c.4444-11G>A (NM_001128845.2); c.4441-11G>A (NM_001128846.2); c.4432-11G>A (NM_001128848.2).
Identifiers: ClinVar variation 1645131 (VCV001645131.9), dbSNP rs771499708, ClinGen allele CA9204795.

ClinVar aggregate classification (germline): Likely benign. Review status: criteria provided, multiple submitters, no conflicts (2 of 4 stars). 2 submissions from 2 submitters: Likely benign (2). Last evaluated 2026-07-08.

Conditions:
Rhabdoid tumor predisposition syndrome 2 (RTPS2). Identifiers: Orphanet 231108, Orphanet 69077, MedGen C2750074, MONDO:0013224, OMIM 613325.

Allele frequency attached by ClinVar (database versions not stated): gnomAD exomes 0.00001 and 0.00004; gnomAD 0.00002; ExAC 0.00007; TOPMed 0.00005.
gnomAD v4.1: 18 of 1,612,194 alleles (0.0011%); highest among the groups gnomAD compares: Admixed American, 0.018%; no homozygotes.

Submissions (2):

Myriad Genetics, Inc.
Classification: Likely benign for Rhabdoid tumor predisposition syndrome 2. Last evaluated: 2026-07-08. Review status: criteria provided, single submitter. Criteria: Myriad Autosomal Dominant, Autosomal Recessive and X-Linked Classification Criteria (2023). Collection method: clinical testing. Allele origin: unknown.
Comment: This variant is considered likely benign. This variant is intronic and is not expected to impact mRNA splicing.

Labcorp Genetics (formerly Invitae), Labcorp
Classification: Likely benign for Rhabdoid tumor predisposition syndrome 2. Last evaluated: 2026-01-24. Review status: criteria provided, single submitter. Criteria: Invitae Variant Classification Sherloc (09022015). Collection method: clinical testing. Allele origin: germline.